The following is an entry in ClinVar:

NM_006949.4(STXBP2):c.1247-19G>A

Gene: STXBP2 (syntaxin binding protein 2; plus strand). Cytogenetic location: 19p13.2.
Variant type: single nucleotide variant.
Coding change: c.1247-19G>A on transcript NM_006949.4 (MANE Select); 19 bases into the intron before coding-DNA position 1247, G replaced by A.
Molecular consequence: intron variant.
Genome position (GRCh38, 1-based): chr19:7,645,178, G>A. VCF-style: chr19-7645178-G-A. GRCh37 (hg19) VCF-style: chr19-7710064-G-A.
Other names: c.1151-19G>A (NM_001414484.1); c.1280-19G>A (NM_001272034.2); c.1238-19G>A (NM_001127396.3).
Identifiers: ClinVar variation 2881509 (VCV002881509.4), dbSNP rs2032082947, ClinGen allele CA993169546.

ClinVar aggregate classification (germline): Likely benign. Review status: criteria provided, multiple submitters, no conflicts (2 of 4 stars). 2 submissions from 2 submitters: Likely benign (2). Last evaluated 2026-01-27.

Conditions:
Familial hemophagocytic lymphohistiocytosis 5. Also called: STXBP2-Related Familial Hemophagocytic Lymphohistiocytosis (STXBP2-fHLH). Identifiers: Orphanet 540, MedGen C2751293, MONDO:0013135, OMIM 613101.

Allele frequency attached by ClinVar (database versions not stated): gnomAD 0.00001.
gnomAD v4.1: 1 of 1,553,002 alleles (0.000064%); highest among the groups gnomAD compares: South Asian, 0.0012%; no homozygotes.

Submissions (2):

Labcorp Genetics (formerly Invitae), Labcorp
Classification: Likely benign for Familial hemophagocytic lymphohistiocytosis 5. Last evaluated: 2026-01-27. Review status: criteria provided, single submitter. Criteria: Invitae Variant Classification Sherloc (09022015). Collection method: clinical testing. Allele origin: germline.

Women's Health and Genetics/Laboratory Corporation of America, LabCorp
Classification: Likely benign. Last evaluated: 2024-08-07. Review status: criteria provided, single submitter. Criteria: LabCorp Variant Classification Summary - May 2015. Collection method: clinical testing. Allele origin: germline.
Comment: Variant summary: STXBP2 c.1247-19G>A alters a non-conserved nucleotide located at a position not widely known to affect splicing. Consensus agreement among computation tools predict no significant impact on normal splicing. However, these predictions have yet to be confirmed by functional studies. The variant allele was found at a frequency of 6.5e-07 in 1546080 control chromosomes in the gnomAD database (v4.1 dataset). The available data on variant occurrences in the general population are insufficient to allow any conclusion about variant significance. To our knowledge, no occurrence of c.1247-19G>A in individuals affected with Familial Hemophagocytic Lymphohistiocytosis and no experimental evidence demonstrating its impact on protein function have been reported. ClinVar contains an entry for this variant (Variation ID: 2881509). Based on the evidence outlined above, the variant was classified as likely benign.